The following is an entry in ClinVar:

ClinVar aggregate classification (germline): Uncertain significance. Review status: criteria provided, multiple submitters, no conflicts (2 of 4 stars). 2 submissions from 2 submitters: Uncertain significance (2). Last evaluated 2020-04-04.

Conditions:
Paroxysmal nocturnal hemoglobinuria 1 (PNH1). Identifiers: Orphanet 447, MedGen C3806670, MONDO:0010438, OMIM 300818.
Neurodevelopmental disorder with epilepsy and hemochromatosis (NEDEPH). Identifiers: MedGen CN307964, OMIM 301072.
Multiple congenital anomalies-hypotonia-seizures syndrome 2 (MCAHS2). Also called: EPILEPTIC ENCEPHALOPATHY, EARLY INFANTILE, 20; GLYCOSYLPHOSPHATIDYLINOSITOL BIOSYNTHESIS DEFECT 4. Identifiers: Orphanet 300496, MedGen C3275508, MONDO:0010466, OMIM 300868.

Submissions (2):

Revvity Omics, Revvity
Classification: Uncertain significance. Last evaluated: 2020-04-04. Review status: criteria provided, single submitter. Criteria: ACMG Guidelines, 2015. Collection method: clinical testing. Allele origin: germline.

Juno Genomics, Hangzhou Juno Genomics, Inc
Classification: Uncertain significance for Multiple congenital anomalies-hypotonia-seizures syndrome 2; Neurodevelopmental disorder with epilepsy and hemochromatosis; Paroxysmal nocturnal hemoglobinuria 1. Review status: criteria provided, single submitter. Criteria: ACMG Guidelines, 2015. Collection method: clinical testing. Allele origin: germline.
Comment: Absent from controls (or at extremely low frequency if recessive) in Genome Aggregation Database.;Multiple lines of computational evidence support a deleterious effect on the gene or gene product.;The prevalence of the variant in affected individuals is significantly increased compared to the prevalence in controls.

NM_002641.4(PIGA):c.981+3A>G

Gene: PIGA (phosphatidylinositol glycan anchor biosynthesis class A; minus strand). Cytogenetic location: Xp22.2.
Variant type: single nucleotide variant.
Coding change: c.981+3A>G on transcript NM_002641.4 (MANE Select); 3 bases into the intron after coding-DNA position 981, A replaced by G.
Molecular consequence: intron variant.
Genome position (GRCh38, 1-based): chrX:15,325,017, T>C on the plus strand (A>G on the coding strand, the complement: PIGA is on the minus strand). VCF-style: chrX-15325017-T-C. GRCh37 (hg19) VCF-style: chrX-15343139-T-C.
Other names: c.279+3A>G (NM_020473.3).
Identifiers: ClinVar variation 2434831 (VCV002434831.5), dbSNP rs2519325069, ClinGen allele CA2580100370.